The following is an entry in ClinVar:

NM_003737.4(DCHS1):c.8769C>T (p.Thr2923=)

Gene: DCHS1 (dachsous cadherin-related 1; minus strand). Cytogenetic location: 11p15.4.
Variant type: single nucleotide variant.
Coding change: c.8769C>T on transcript NM_003737.4 (MANE Select); coding-DNA position 8769, C replaced by T.
Protein change: p.Thr2923=; no amino-acid change (threonine 2923 retained).
Molecular consequence: synonymous variant.
Genome position (GRCh38, 1-based): chr11:6,622,907, G>A on the plus strand (C>T on the coding strand, the complement: DCHS1 is on the minus strand). VCF-style: chr11-6622907-G-A. GRCh37 (hg19) VCF-style: chr11-6644138-G-A.
Other names: c.8769C>T (NM_003737.3).
Identifiers: ClinVar variation 2175987 (VCV002175987.6), dbSNP rs137942716, ClinGen allele CA5859363.

ClinVar aggregate classification (germline): Likely benign. Review status: criteria provided, multiple submitters, no conflicts (2 of 4 stars). 3 submissions from 3 submitters: Likely benign (3). Last evaluated 2025-05-13.

Conditions:
DCHS1-related disorder. Also called: DCHS1-related condition.

Allele frequency attached by ClinVar (database versions not stated): gnomAD exomes 0.00003; gnomAD 0.00004; TOPMed 0.00004; ESP Exome Variant Server 0.00008; ExAC 0.00011; 1000 Genomes Project 30x 0.00016; 1000 Genomes Project 0.00020.
gnomAD v4.1: 50 of 1,596,382 alleles (0.0031%); highest among the groups gnomAD compares: East Asian, 0.057%; no homozygotes.

Submissions (3):

Labcorp Genetics (formerly Invitae), Labcorp
Classification: Likely benign. Last evaluated: 2025-05-13. Review status: criteria provided, single submitter. Criteria: Invitae Variant Classification Sherloc (09022015). Collection method: clinical testing. Allele origin: germline.

PreventionGenetics, part of Exact Sciences
Classification: Likely benign for DCHS1-related condition. Last evaluated: 2024-12-18. Review status: criteria provided, single submitter. Criteria: ACMG Guidelines, 2015. Collection method: clinical testing. Allele origin: germline.
Comment: This variant is classified as likely benign based on ACMG/AMP sequence variant interpretation guidelines (Richards et al. 2015 PMID: 25741868, with internal and published modifications).

Blueprint Genetics
Classification: Likely benign. Last evaluated: 2024-03-11. Review status: criteria provided, single submitter. Criteria: ACMG Guidelines, 2015. Collection method: clinical testing. Allele origin: germline.